The following is an entry in ClinVar:

NM_031206.7(LAS1L):c.1057_1062del (p.Val353_Gln354del)

Gene: LAS1L (LAS1 like ribosome biogenesis factor; minus strand). Cytogenetic location: Xq12.
Variant type: Deletion.
Coding change: c.1057_1062del on transcript NM_031206.7 (MANE Select); coding-DNA positions 1057 to 1062, 6 bases deleted (GTCCAG; older notation c.1057_1062delGTCCAG).
Protein change: p.Val353_Gln354del.
Molecular consequence: inframe deletion. On other transcripts: non-coding transcript variant (1), intron variant (7).
Genome position (GRCh38, 1-based): chrX:65,524,595-65,524,600, CTGGAC deleted on the plus strand (GTCCAG on the coding strand, the reverse complement: LAS1L is on the minus strand); deleting any 6 consecutive bases within chrX:65,524,595-65,524,602 gives the same sequence; the c. name uses the placement nearest the transcript's 3' end. VCF-style (leftmost placement, unchanged base first): chrX-65524594-TCTGGAC-T. GRCh37 (hg19) VCF-style: chrX-64744474-TCTGGAC-T.
Other names: c.1057_1062del, p.Val353_Gln354del (NM_001375328.1, NM_001375329.1, NM_001375330.1 and 3 more transcripts); c.917-338_917-333del (NM_001170650.2); c.137-338_137-333del (NM_001375332.1); c.1043-338_1043-333del (NM_001375333.1, NM_001170649.2, NM_001375331.1 and 2 more transcripts).
Identifiers: ClinVar variation 3392836 (VCV003392836.2).

ClinVar aggregate classification (germline): Uncertain significance (1 of 4 stars; one submission).

Submission:

GeneDx
Classification: Uncertain significance. Last evaluated: 2026-07-29. Review status: criteria provided, single submitter. Criteria: GeneDx Variant Classification Process June 2021. Collection method: clinical testing. Allele origin: germline.
Comment: Not observed at significant frequency in large population cohorts (gnomAD); In-frame deletion of 2 amino acids in a non-repeat region; In silico analysis suggests that this variant does not alter protein structure/function; Has not been previously published as pathogenic or benign to our knowledge